The following is an entry in ClinVar:

ClinVar aggregate classification (germline): Uncertain significance (1 of 4 stars; one submission).

Conditions:
Atrial fibrillation, familial, 7 (ATFB7). Identifiers: MedGen C2677106, MONDO:0012828, OMIM 612240.

Submission:

Labcorp Genetics (formerly Invitae), Labcorp
Classification: Uncertain significance for Atrial fibrillation, familial, 7. Last evaluated: 2024-04-14. Review status: criteria provided, single submitter. Criteria: Invitae Variant Classification Sherloc (09022015). Collection method: clinical testing. Allele origin: germline.
Comment: This sequence change affects codon 540 of the KCNA5 mRNA. It is a 'silent' change, meaning that it does not change the encoded amino acid sequence of the KCNA5 protein. This variant is present in population databases (rs745589228, gnomAD 0.01%). This variant has not been reported in the literature in individuals affected with KCNA5-related conditions. In summary, the available evidence is currently insufficient to determine the role of this variant in disease. Therefore, it has been classified as a Variant of Uncertain Significance.

NM_002234.4(KCNA5):c.1620C>G (p.Gly540=)

Gene: KCNA5 (potassium voltage-gated channel subfamily A member 5; plus strand). Cytogenetic location: 12p13.32.
Variant type: single nucleotide variant.
Coding change: c.1620C>G on transcript NM_002234.4 (MANE Select); coding-DNA position 1620, C replaced by G.
Protein change: p.Gly540=; no amino-acid change (glycine 540 retained).
Molecular consequence: synonymous variant.
Genome position (GRCh38, 1-based): chr12:5,045,767, C>G. VCF-style: chr12-5045767-C-G. GRCh37 (hg19) VCF-style: chr12-5154933-C-G.
Identifiers: ClinVar variation 3718073 (VCV003718073.2).
Genomic context (GRCh38, chr12:5,045,767, plus strand): 5'-CTACTTCTACCACCGGGAAACGGATCACGAGGAGCCGGCAGTCCTTAAGGAAGAGCAGGG[C>G]ACTCAGAGCCAGGGGCCGGGGCTGGACAGAGGAGTCCAGCGGAAGGTCAGCGGGAGCAGG-3'
Protein context (NP_002225.2, residues 530-550): EEPAVLKEEQ[Gly540=]TQSQGPGLDR